The following is an entry in ClinVar:

ClinVar aggregate classification (germline): Pathogenic (1 of 4 stars; one submission).

Conditions:
DICER1-related tumor predisposition. Also called: DICER1-related pleuropulmonary blastoma cancer predisposition syndrome; DICER1 syndrome. Identifiers: Orphanet 284343, MedGen C3839822, MONDO:0100216.

Submission:

Labcorp Genetics (formerly Invitae), Labcorp
Classification: Pathogenic for DICER1-related tumor predisposition. Last evaluated: 2023-08-15. Review status: criteria provided, single submitter. Criteria: Invitae Variant Classification Sherloc (09022015). Collection method: clinical testing. Allele origin: germline.
Comment: This sequence change creates a premature translational stop signal (p.Ile1544Hisfs*8) in the DICER1 gene. It is expected to result in an absent or disrupted protein product. Loss-of-function variants in DICER1 are known to be pathogenic (PMID: 19556464, 21266384). This variant is not present in population databases (gnomAD no frequency). This variant has not been reported in the literature in individuals affected with DICER1-related conditions. For these reasons, this variant has been classified as Pathogenic.

Literature cited by the submitters: PubMed 19556464; PubMed 21266384.

NM_177438.3(DICER1):c.4629dup (p.Ile1544fs)

Gene: DICER1 (dicer 1, ribonuclease III; minus strand). Cytogenetic location: 14q32.13.
Variant type: Duplication.
Coding change: c.4629dup on transcript NM_177438.3 (MANE Select); coding-DNA position 4629, one base duplicated (C; older notation c.4629dupC).
Protein change: p.Ile1544fs; shifts the reading frame from isoleucine 1544.
Molecular consequence: frameshift variant. On other transcripts: non-coding transcript variant (6).
Genome position (GRCh38, 1-based): chr14:95,096,291, G duplicated on the plus strand (C on the coding strand, the reverse complement: DICER1 is on the minus strand); the first of 2 consecutive G bases (chr14:95,096,291-95,096,292); duplicating either gives the same sequence. VCF-style (leftmost placement, unchanged base first): chr14-95096290-T-TG. GRCh37 (hg19) VCF-style: chr14-95562627-T-TG.
Other names: c.4629dup, p.Ile1544fs (NM_001195573.1, NM_001271282.3, NM_001291628.2 and 12 more transcripts); c.4628dup, p.Ile1544Hisfs (NM_001395681.1); c.4347dup, p.Ile1450fs (NM_001395686.1); c.4224dup, p.Ile1409fs (NM_001395687.1, NM_001395688.1, NM_001395689.1 and 2 more transcripts); c.4062dup, p.Ile1355fs (NM_001395691.1); c.2946dup, p.Ile983fs (NM_001395697.1); short protein forms I1450fs, I1544fs, I983fs, I1355fs, I1409fs.
Identifiers: ClinVar variation 2752630 (VCV002752630.3), dbSNP rs2542492765, ClinGen allele CA2697554166.